The following is an entry in ClinVar:

NM_001042492.3(NF1):c.4515del (p.Ala1506fs)

Gene: NF1 (neurofibromin 1; plus strand). Cytogenetic location: 17q11.2.
Variant type: Deletion.
Coding change: c.4515del on transcript NM_001042492.3 (MANE Select); coding-DNA position 4515, one base deleted (T; older notation c.4515delT).
Protein change: p.Ala1506fs; shifts the reading frame from alanine 1506.
Molecular consequence: frameshift variant.
Genome position (GRCh38, 1-based): chr17:31,260,453, T deleted; the last of 2 consecutive T bases (chr17:31,260,452-31,260,453); deleting either gives the same sequence. VCF-style (leftmost placement, unchanged base first): chr17-31260451-CT-C. GRCh37 (hg19) VCF-style: chr17-29587469-CT-C.
Other names: c.4452delT, p.Ala1485Leufs (NM_000267.4); short protein forms A1485fs, A1506fs.
Identifiers: ClinVar variation 1421521 (VCV001421521.7), dbSNP rs2151464719, ClinGen allele CA2573153653.

ClinVar aggregate classification (germline): Pathogenic. Review status: criteria provided, multiple submitters, no conflicts (2 of 4 stars). 2 submissions from 2 submitters: Pathogenic (2). Last evaluated 2024-05-13.

Conditions:
Neurofibromatosis, type 1 (NF1). Also called: VON RECKLINGHAUSEN DISEASE; NEUROFIBROMATOSIS, TYPE I, SOMATIC; Neurofibromatosis, type I; Peripheral type neurofibromatosis. Identifiers: Orphanet 636, MedGen C0027831, MONDO:0018975, OMIM 162200. Disease mechanism: loss of function.
Café-au-lait macules with pulmonary stenosis (WTSN). Also called: PULMONIC STENOSIS WITH CAFE-AU-LAIT SPOTS. Identifiers: MedGen C0553586, MONDO:0008672, OMIM 193520.
Neurofibromatosis, familial spinal (FSNF). Identifiers: Orphanet 636, MedGen C1834235, MONDO:0008078, OMIM 162210. Disease mechanism: loss of function.
Juvenile myelomonocytic leukemia (JMML). Also called: LEUKEMIA, JUVENILE MYELOMONOCYTIC, SOMATIC. Identifiers: Orphanet 86834, MedGen C0349639, MONDO:0011908, OMIM 607785, HP:0012209.
Neurofibromatosis-Noonan syndrome (NFNS). Also called: NEUROFIBROMATOSIS WITH NOONAN PHENOTYPE. Identifiers: Orphanet 638, MedGen C2931482, MONDO:0011035, OMIM 601321. Disease mechanism: loss of function.

Submissions (2):

Fulgent Genetics
Classification: Pathogenic for Neurofibromatosis, type 1; Neurofibromatosis, familial spinal; Café-au-lait macules with pulmonary stenosis; Neurofibromatosis-Noonan syndrome; Juvenile myelomonocytic leukemia. Last evaluated: 2024-05-13. Review status: criteria provided, single submitter. Criteria: ACMG Guidelines, 2015. Collection method: clinical testing. Allele origin: germline.

Labcorp Genetics (formerly Invitae), Labcorp
Classification: Pathogenic for Neurofibromatosis, type 1. Last evaluated: 2021-10-16. Review status: criteria provided, single submitter. Criteria: Invitae Variant Classification Sherloc (09022015). Collection method: clinical testing. Allele origin: germline.
Comment: For these reasons, this variant has been classified as Pathogenic. This premature translational stop signal has been observed in individual(s) with neurofibromatosis type 1 (PMID: 31776437). This variant is not present in population databases (ExAC no frequency). This sequence change creates a premature translational stop signal (p.Ala1485Leufs*68) in the NF1 gene. It is expected to result in an absent or disrupted protein product. Loss-of-function variants in NF1 are known to be pathogenic (PMID: 10712197, 23913538).

Literature cited by the submitters: PubMed 31776437 (cited by Labcorp Genetics (formerly Invitae), Labcorp); PubMed 10712197 (cited by Labcorp Genetics (formerly Invitae), Labcorp); PubMed 23913538 (cited by Labcorp Genetics (formerly Invitae), Labcorp).